The following is an entry in ClinVar:

NM_000492.4(CFTR):c.3532_3535dup (p.Thr1179fs)

Genes: CFTR-AS2 (CFTR antisense RNA 2; minus strand), CFTR (CF transmembrane conductance regulator; plus strand). Cytogenetic location: 7q31.2.
Variant type: Duplication.
Coding change: c.3532_3535dup on transcript NM_000492.4 (MANE Select); coding-DNA positions 3532 to 3535, 4 bases duplicated (TCAA; older notation c.3532_3535dupTCAA).
Protein change: p.Thr1179fs; shifts the reading frame from threonine 1179.
Molecular consequence: frameshift variant.
Genome position (GRCh38, 1-based): chr7:117,627,585-117,627,588, TCAA duplicated. VCF-style (leftmost placement, unchanged base first): chr7-117627584-G-GTCAA. GRCh37 (hg19) VCF-style: chr7-117267638-G-GTCAA.
Other names: 3667ins4; c.3532_3535dupTCAA (NM_000492.3); short protein forms T1179fs.
Identifiers: ClinVar variation 7222 (VCV000007222.13), dbSNP rs387906378, ClinGen allele CA254117.

ClinVar aggregate classification (germline): Pathogenic. Review status: reviewed by expert panel (3 of 4 stars). 7 submissions from 7 submitters: Pathogenic (1). 6 of the submissions do not count toward it. Last evaluated 2017-03-17.

Conditions:
CFTR-related disorder (CFTR-RD). Also called: CFTR-related condition; CFTR-related disorders. Identifiers: MedGen C5924204, MONDO:7770004.
Cystic fibrosis (CF). Also called: MUCOVISCIDOSIS. Identifiers: Orphanet 586, MedGen C0010674, MONDO:0009061, OMIM 219700. Disease mechanism: loss of function.

Submissions (7):

CFTR2
Classification: Pathogenic for Cystic fibrosis. Last evaluated: 2017-03-17. Review status: reviewed by expert panel. Criteria: Sosnay PR et al. (Nat Genet 2013). Collection method: research. Allele origin: germline. Affected: yes. Study: CFTR2.

Labcorp Genetics (formerly Invitae), Labcorp
Classification: Pathogenic for Cystic fibrosis. Last evaluated: 2021-05-27. Review status: criteria provided, single submitter. Criteria: Invitae Variant Classification Sherloc (09022015). Collection method: clinical testing. Allele origin: germline. Not counted in ClinVar's aggregate classification.
Comment: This variant has been observed in individual(s) with clinical features of cystic fibrosis (PMID: 7504970, 32429104). This variant is also known as 3667ins4 and c.3535_3536insTCAA. ClinVar contains an entry for this variant (Variation ID: 7222). For these reasons, this variant has been classified as Pathogenic. This variant is not present in population databases (ExAC no frequency). This sequence change creates a premature translational stop signal (p.Thr1179Ilefs*17) in the CFTR gene. It is expected to result in an absent or disrupted protein product. Loss-of-function variants in CFTR are known to be pathogenic (PMID: 1695717, 7691345, 9725922).

Blueprint Genetics
Classification: Pathogenic for CFTR-related disorders. Last evaluated: 2019-12-16. Review status: criteria provided, single submitter. Criteria: ACMG Guidelines, 2015. Collection method: clinical testing. Allele origin: germline. Affected: yes. Observed: 1 variant allele. Not counted in ClinVar's aggregate classification.

Mendelics
Classification: Pathogenic for Cystic fibrosis. Last evaluated: 2018-11-05. Review status: criteria provided, single submitter. Criteria: Mendelics Assertion Criteria 2017. Collection method: clinical testing. Allele origin: unknown. Affected: yes. Not counted in ClinVar's aggregate classification.

Natera, Inc.
Classification: Pathogenic for CFTR-related disorders. Last evaluated: 2017-03-17. Review status: no assertion criteria provided. Collection method: clinical testing. Allele origin: germline. Not counted in ClinVar's aggregate classification.

Counsyl
Classification: Pathogenic for Cystic fibrosis. Last evaluated: 2016-11-18. Review status: no assertion criteria provided. Collection method: clinical testing. Allele origin: unknown. Not counted in ClinVar's aggregate classification.

OMIM
Classification: Pathogenic for CYSTIC FIBROSIS. Last evaluated: 1993-01-01. Review status: no assertion criteria provided. Collection method: literature only. Allele origin: germline. Not counted in ClinVar's aggregate classification.

Literature cited by the submitters: PubMed 7504970 (cited by 3 submitters); PubMed 32429104 (cited by Labcorp Genetics (formerly Invitae), Labcorp); PubMed 1695717 (cited by Labcorp Genetics (formerly Invitae), Labcorp); PubMed 7691345 (cited by Labcorp Genetics (formerly Invitae), Labcorp); PubMed 9725922 (cited by Labcorp Genetics (formerly Invitae), Labcorp).